The following is an entry in ClinVar:

NM_000038.6(APC):c.1438C>T (p.Gln480Ter)

Gene: APC (APC regulator of Wnt signaling pathway; plus strand). Cytogenetic location: 5q22.2.
Variant type: single nucleotide variant.
Coding change: c.1438C>T on transcript NM_000038.6 (MANE Select); coding-DNA position 1438, C replaced by T.
Protein change: p.Gln480Ter; replaces glutamine 480 with a stop codon.
Molecular consequence: nonsense.
Genome position (GRCh38, 1-based): chr5:112,827,137, C>T. VCF-style: chr5-112827137-C-T. GRCh37 (hg19) VCF-style: chr5-112162834-C-T.
Other names: NC_000005.9:g.112162834C>T; c.1438C>T, p.Gln480Ter (NM_001127510.3, NM_001354895.2, NM_001407450.1); c.1384C>T, p.Gln462Ter (NM_001127511.3); c.1492C>T, p.Gln498Ter (NM_001354896.2, NM_001407447.1, NM_001407448.1 and 1 more transcripts); c.1468C>T, p.Gln490Ter (NM_001354897.2); c.1363C>T, p.Gln455Ter (NM_001354898.2); c.1354C>T, p.Gln452Ter (NM_001354899.2); c.1315C>T, p.Gln439Ter (NM_001354900.2); and 12 more; short protein forms Q197*, Q320*, Q351*, Q354*, Q379*, Q389*, Q397*, Q421*.
Identifiers: ClinVar variation 2583896 (VCV002583896.3), dbSNP rs570514864, ClinGen allele CA16024453.
Genomic context (GRCh38, chr5:112,827,137, plus strand): 5'-TGTCTTTTTCCTCTTGCCCTTTTTAAATTAGGGGGACTACAGGCCATTGCAGAATTATTG[C>T]AAGTGGACTGTGAAATGTATGGGCTTACTAATGACCACTACAGTATTACACTAAGACGAT-3'

ClinVar aggregate classification (germline): Pathogenic. Review status: criteria provided, multiple submitters, no conflicts (2 of 4 stars). 2 submissions from 2 submitters: Pathogenic (2). Last evaluated 2025-02-16.

Conditions:
Familial adenomatous polyposis 1 (FAP1). Also called: FAMILIAL ADENOMATOUS POLYPOSIS 1, ATTENUATED; POLYPOSIS, ADENOMATOUS INTESTINAL. Identifiers: MedGen C2713442, MONDO:0021056, OMIM 175100. Disease mechanism: loss of function.

Submissions (3):

Laboratory of Genetics, Children's Clinical University Hospital Latvia
Classification: Pathogenic. Last evaluated: 2025-02-16. Review status: criteria provided, single submitter. Criteria: ACMG Guidelines, 2015. Collection method: clinical testing. Allele origin: germline. Affected: yes.

Myriad Genetics, Inc.
Classification: Pathogenic for Familial adenomatous polyposis 1. Last evaluated: 2023-05-01. Review status: criteria provided, single submitter. Criteria: Myriad Autosomal Dominant, Autosomal Recessive and X-Linked Classification Criteria (2023). Collection method: clinical testing. Allele origin: unknown.
Comment: This variant is considered pathogenic. This variant creates a termination codon and is predicted to result in premature protein truncation.

Dr. Peter K. Rogan Lab, Western University
No classification provided (evidence only). Condition: Colon adenocarcinoma. Review status: no classification provided. Collection method: in vitro. Allele origin: not applicable. Functional consequence: retained intron. Not counted in ClinVar's aggregate classification.